The following is an entry in ClinVar:

ClinVar aggregate classification (germline): Likely benign. Review status: criteria provided, multiple submitters, no conflicts (2 of 4 stars). 3 submissions from 3 submitters: Likely benign (3). Last evaluated 2024-10-04.

Conditions:
Autosomal recessive limb-girdle muscular dystrophy type 2J (LGMDR10). Also called: Limb-girdle muscular dystrophy, type 2J; MUSCULAR DYSTROPHY, LIMB-GIRDLE, AUTOSOMAL RECESSIVE 10. Identifiers: Orphanet 140922, MedGen C1837342, MONDO:0012127, OMIM 608807.
Dilated cardiomyopathy 1G (CMD1G). Identifiers: Orphanet 154, MedGen C1858763, MONDO:0011400, OMIM 604145.

Allele frequency attached by ClinVar (database versions not stated): gnomAD exomes below 0.00001 and 0.00001; ExAC 0.00001.
gnomAD v4.1: 2 of 1,543,466 alleles (0.00013%); highest among the groups gnomAD compares: South Asian, 0.0026%; no homozygotes.

Submissions (3):

Labcorp Genetics (formerly Invitae), Labcorp
Classification: Likely benign for Dilated cardiomyopathy 1G; Autosomal recessive limb-girdle muscular dystrophy type 2J. Last evaluated: 2024-10-04. Review status: criteria provided, single submitter. Criteria: Invitae Variant Classification Sherloc (09022015). Collection method: clinical testing. Allele origin: germline.

Blueprint Genetics
Classification: Likely benign. Last evaluated: 2023-04-25. Review status: criteria provided, single submitter. Criteria: ACMG Guidelines, 2015. Collection method: clinical testing. Allele origin: germline.

GeneDx
Classification: Likely benign. Last evaluated: 2017-07-17. Review status: criteria provided, single submitter. Criteria: GeneDx Variant Classification (06012015). Collection method: clinical testing. Allele origin: germline. Affected: yes.
Comment: This variant is considered likely benign or benign based on one or more of the following criteria: it is a conservative change, it occurs at a poorly conserved position in the protein, it is predicted to be benign by multiple in silico algorithms, and/or has population frequency not consistent with disease.

NM_001267550.2(TTN):c.40928-15T>C

Gene: TTN (titin; minus strand). Cytogenetic location: 2q31.2.
Variant type: single nucleotide variant.
Coding change: c.40928-15T>C on transcript NM_001267550.2 (MANE Select); 15 bases into the intron before coding-DNA position 40928, T replaced by C.
Molecular consequence: intron variant.
Genome position (GRCh38, 1-based): chr2:178,636,814, A>G on the plus strand (T>C on the coding strand, the complement: TTN is on the minus strand). VCF-style: chr2-178636814-A-G. GRCh37 (hg19) VCF-style: chr2-179501541-A-G.
Other names: c.13733-15T>C (NM_003319.4); c.14309-15T>C (NM_133437.4); c.14108-15T>C (NM_133432.3); c.33224-15T>C (NM_133378.4); c.36005-15T>C (NM_001256850.1).
Identifiers: ClinVar variation 510904 (VCV000510904.7), dbSNP rs766374526, ClinGen allele CA1996341.